The following is an entry in ClinVar:

NM_003482.4(KMT2D):c.10784A>G (p.Tyr3595Cys)

Gene: KMT2D (lysine methyltransferase 2D; minus strand). Cytogenetic location: 12q13.12.
Variant type: single nucleotide variant.
Coding change: c.10784A>G on transcript NM_003482.4 (MANE Select); coding-DNA position 10784, A replaced by G.
Protein change: p.Tyr3595Cys; replaces tyrosine 3595 with cysteine.
Molecular consequence: missense variant.
Genome position (GRCh38, 1-based): chr12:49,033,921, T>C on the plus strand (A>G on the coding strand, the complement: KMT2D is on the minus strand). VCF-style: chr12-49033921-T-C. GRCh37 (hg19) VCF-style: chr12-49427704-T-C.
Other names: short protein forms Y3595C.
Identifiers: ClinVar variation 435673 (VCV000435673.8), dbSNP rs1555189207, ClinGen allele CA384726218.

ClinVar aggregate classification (germline): Pathogenic/Likely pathogenic. Review status: criteria provided, multiple submitters, no conflicts (2 of 4 stars). 3 submissions from 3 submitters: Pathogenic (1); Likely pathogenic (1). 1 of the submissions does not count toward it. Last evaluated 2023-07-17.

Conditions:
Choanal atresia-athelia-hypothyroidism-delayed puberty-short stature syndrome (BCAHH). Also called: BRANCHIAL ARCH ABNORMALITIES, CHOANAL ATRESIA, ATHELIA, HEARING LOSS, AND HYPOTHYROIDISM SYNDROME. Identifiers: Orphanet 589856, MedGen C5680310, MONDO:0035651, OMIM 620186.
Kabuki syndrome 1 (KABUK1). Also called: KMT2D-Related Kabuki Syndrome. Identifiers: Orphanet 2322, MedGen CN030661, MONDO:0007843, OMIM 147920.

Submissions (3):

Victorian Clinical Genetics Services, Murdoch Childrens Research Institute
Classification: Pathogenic for Choanal atresia-athelia-hypothyroidism-delayed puberty-short stature syndrome. Last evaluated: 2023-07-17. Review status: criteria provided, single submitter. Criteria: ACMG Guidelines, 2015. Collection method: clinical testing. Allele origin: germline. Inheritance: Autosomal dominant inheritance. Affected: yes.
Comment: Based on the classification scheme VCGS_Germline_v1.3.4, this variant is classified as Pathogenic. Following criteria are met: 0102 - Loss of function is a known mechanism of disease in this gene and is associated with Kabuki syndrome 1 (MIM#147920). The mechanism for branchial arch abnormalities, choanal atresia, athelia, hearing loss, and hypothyroidism syndrome (MIM#620186) is unclear. (I) 0107 - This gene is associated with autosomal dominant disease. (I) 0115 - Variants in this gene are known to have variable expressivity in individuals with Kabuki syndrome (GeneReviews). (I) 0200 - Variant is predicted to result in a missense amino acid change from tyrosine to cysteine. (I) 0251 - This variant is heterozygous. (I) 0301 - Variant is absent from gnomAD (both v2 and v3). (SP) 0501 - Missense variant consistently predicted to be damaging by multiple in silico tools or highly conserved with a major amino acid change. (SP) 0604 - Variant is not located in an established domain, motif, hotspot or informative constraint region. (I) 0705 - No comparable missense variants have previous evidence for pathogenicity. (I) 0802 - This variant has moderate previous evidence of pathogenicity in unrelated individuals. This variant has been reported twice as likely pathogenic, and observed in at least two individuals (once as de novo) with CHARGE-like features (ClinVar). (SP) 0905 - No published segregation evidence has been identified for this variant. (I) 1007 - No published functional evidence has been identified for this variant. (SP) Legend: (SP) - Supporting pathogenic, (I) - Information, (SB) - Supporting benign

Genetic Services Laboratory, University of Chicago
Classification: Likely pathogenic for Kabuki syndrome 1. Last evaluated: 2021-05-09. Review status: criteria provided, single submitter. Criteria: ACMG Guidelines, 2015. Collection method: clinical testing. Allele origin: germline. Inheritance: Autosomal dominant inheritance. Affected: no.

Clinical Genomics Laboratory, Stanford Medicine
Classification: Likely pathogenic for Kabuki syndrome 1. Last evaluated: 2020-04-02. Review status: no assertion criteria provided. Collection method: clinical testing. Allele origin: germline. Inheritance: Autosomal dominant inheritance. Affected: yes. Not counted in ClinVar's aggregate classification.
Comment: This variant was absent from large population databases, including the Genome Aggregation Database. The p.Tyr3595Cys variant is located in a predicted coiled-coil domain of KMT2D. Other disease-associated variants have been described in this domain and are predicted to impact the secondary structure of the protein. The KMT2D gene has fewer missense variants in the general population than expected. A low rate of missense variation may suggest that this gene is intolerant to missense variation. These data were assessed using the ACMG/AMP variant interpretation guidelines. In summary, there is sufficient evidence to classify the p.Tyr3595Cys variant as likely pathogenic for atypical Kabuki syndrome in an autosomal dominant manner based on the information above. [ACMG evidence codes used: PS2_moderate; PM1_supporting; PM2; PP2]